The following is an entry in ClinVar:

ClinVar aggregate classification (germline): Benign/Likely benign. Review status: criteria provided, multiple submitters, no conflicts (2 of 4 stars). 7 submissions from 7 submitters: Benign (1); Likely benign (4). 2 of the submissions do not count toward it. Last evaluated 2026-02-01.

Conditions:
Cardiovascular phenotype. Identifiers: MedGen CN230736.
Atrioventricular septal defect 4 (AVSD4). Identifiers: MedGen C3280781, MONDO:0013747, OMIM 614430.

Allele frequency attached by ClinVar (database versions not stated): 1000 Genomes Project 0.00020; ExAC 0.00020; 1000 Genomes Project 30x 0.00156; TOPMed 0.00228.
gnomAD v4.1: 599 of 1,503,872 alleles (0.04%); highest among the groups gnomAD compares: African/African-American, 0.77%; 5 homozygotes.

Submissions (7):

Labcorp Genetics (formerly Invitae), Labcorp
Classification: Likely benign for Atrioventricular septal defect 4. Last evaluated: 2026-02-01. Review status: criteria provided, single submitter. Criteria: Invitae Variant Classification Sherloc (09022015). Collection method: clinical testing. Allele origin: germline.

Blueprint Genetics
Classification: Likely benign. Last evaluated: 2024-10-08. Review status: criteria provided, single submitter. Criteria: ACMG Guidelines, 2015. Collection method: clinical testing. Allele origin: germline.

Women's Health and Genetics/Laboratory Corporation of America, LabCorp
Classification: Benign. Last evaluated: 2024-08-27. Review status: criteria provided, single submitter. Criteria: LabCorp Variant Classification Summary - May 2015. Collection method: clinical testing. Allele origin: germline.

GeneDx
Classification: Likely benign. Last evaluated: 2020-10-16. Review status: criteria provided, single submitter. Criteria: GeneDx Variant Classification Process June 2021. Collection method: clinical testing. Allele origin: germline. Affected: yes.
Comment: This variant is associated with the following publications: (PMID: 21276881)

Ambry Genetics
Classification: Likely benign for Cardiovascular phenotype. Last evaluated: 2018-10-15. Review status: criteria provided, single submitter. Criteria: Ambry Variant Classification Scheme 2023. Collection method: clinical testing. Allele origin: germline.

Clinical Genetics DNA and cytogenetics Diagnostics Lab, Erasmus MC, Erasmus Medical Center
Classification: Likely benign. Review status: no assertion criteria provided. Collection method: clinical testing. Allele origin: germline. Affected: yes. Study: VKGL Data-share Consensus. Not counted in ClinVar's aggregate classification.

Laboratory of Diagnostic Genome Analysis, Leiden University Medical Center (LUMC)
Classification: Likely benign. Review status: no assertion criteria provided. Collection method: clinical testing. Allele origin: germline. Affected: yes. Study: VKGL Data-share Consensus. Not counted in ClinVar's aggregate classification.

NM_001308093.3(GATA4):c.543C>T (p.Ala181=)

Gene: GATA4 (GATA binding protein 4). Cytogenetic location: 8p23.1.
Variant type: single nucleotide variant.
Coding change: c.543C>T on transcript NM_001308093.3 (MANE Select); coding-DNA position 543, C replaced by T.
Protein change: p.Ala181=; no amino-acid change (alanine 181 retained).
Molecular consequence: synonymous variant. On other transcripts: intron variant (3).
Genome position (GRCh38, 1-based): chr8:11,708,855, C>T. VCF-style: chr8-11708855-C-T. GRCh37 (hg19) VCF-style: chr8-11566364-C-T.
Other names: c.543C>T, p.Ala181= (NM_002052.5); c.-6+8077C>T (NM_001308094.2); c.-3+841C>T (NM_001374274.1); c.-3+4551C>T (NM_001374273.1).
Identifiers: ClinVar variation 412729 (VCV000412729.21), dbSNP rs544097659, ClinGen allele CA4630631.